The following is an entry in ClinVar:

ClinVar aggregate classification (germline): Uncertain significance (1 of 4 stars; one submission).

Submission:

Ambry Genetics
Classification: Uncertain significance. Last evaluated: 2026-01-14. Review status: criteria provided, single submitter. Criteria: Ambry Variant Classification Scheme 2023. Collection method: clinical testing. Allele origin: germline.
Comment: The c.860C>T (p.P287L) alteration is located in exon 9 (coding exon 9) of the CCT3 gene. This alteration results from a C to T substitution at nucleotide position 860, causing the proline (P) at amino acid position 287 to be replaced by a leucine (L). Based on data from gnomAD, the T allele has an overall frequency of <0.001% (1/251336) total alleles studied. The highest observed frequency was 0.001% (1/113674) of European (non-Finnish) alleles. Based on insufficient or conflicting evidence, the clinical significance of this alteration remains unclear.

NM_005998.5(CCT3):c.860C>T (p.Pro287Leu)

Gene: CCT3 (chaperonin containing TCP1 subunit 3; minus strand). Cytogenetic location: 1q22.
Variant type: single nucleotide variant.
Coding change: c.860C>T on transcript NM_005998.5 (MANE Select); coding-DNA position 860, C replaced by T.
Protein change: p.Pro287Leu; replaces proline 287 with leucine.
Molecular consequence: missense variant. On other transcripts: non-coding transcript variant (2).
Genome position (GRCh38, 1-based): chr1:156,317,447, G>A on the plus strand (C>T on the coding strand, the complement: CCT3 is on the minus strand). VCF-style: chr1-156317447-G-A. GRCh37 (hg19) VCF-style: chr1-156287238-G-A.
Other names: c.746C>T, p.Pro249Leu (NM_001008800.3); short protein forms P287L, P249L.
Identifiers: ClinVar variation 4839378 (VCV004839378.1).